The following is an entry in ClinVar:

ClinVar aggregate classification (germline): Uncertain significance. Review status: criteria provided, multiple submitters, no conflicts (2 of 4 stars). 2 submissions from 2 submitters: Uncertain significance (2). Last evaluated 2025-10-02.

Conditions:
Atypical hemolytic-uremic syndrome. Identifiers: Orphanet 2134, MedGen C2931788, MONDO:0016244.

Allele frequency attached by ClinVar (database versions not stated): gnomAD 0.00005 and 0.00006; ExAC 0.00006; TOPMed 0.00006; gnomAD exomes 0.00007 and 0.00010.
gnomAD v4.1: 105 of 1,613,308 alleles (0.0065%); highest among the groups gnomAD compares: Admixed American, 0.05%; 1 homozygote.

Submissions (2):

Genomenon, Inc
Classification: Uncertain significance for Atypical hemolytic-uremic syndrome. Last evaluated: 2025-10-02. Review status: criteria provided, single submitter. Criteria: Genomenon Sequence Variant Interpretation Standards - Updated. Collection method: curation. Allele origin: germline. Affected: yes.
Comment: CFH p.Val383Ala (c.1148T>C) is a missense variant that changes the amino acid at residue 383 from Valine to Alanine. This variant has been observed in at least one proband affected with atypical hemolytic-uremic syndrome (PMID:30804016). In silico models agree that this variant is not damaging. In conclusion, we classify CFH p.Val383Ala (c.1148T>C) as a variant of uncertain significance.

Labcorp Genetics (formerly Invitae), Labcorp
Classification: Uncertain significance. Last evaluated: 2025-06-23. Review status: criteria provided, single submitter. Criteria: Invitae Variant Classification Sherloc (09022015). Collection method: clinical testing. Allele origin: germline.
Comment: This sequence change replaces valine, which is neutral and non-polar, with alanine, which is neutral and non-polar, at codon 383 of the CFH protein (p.Val383Ala). This variant is present in population databases (rs762389370, gnomAD 0.05%). This missense change has been observed in individual(s) with CFH-related conditions (PMID: 35925583). ClinVar contains an entry for this variant (Variation ID: 1418382). An algorithm developed to predict the effect of missense changes on protein structure and function (PolyPhen-2) suggests that this variant is likely to be tolerated. In summary, the available evidence is currently insufficient to determine the role of this variant in disease. Therefore, it has been classified as a Variant of Uncertain Significance.

Literature cited by the submitters: PubMed 30804016 (cited by Genomenon, Inc); PubMed 35925583 (cited by Labcorp Genetics (formerly Invitae), Labcorp).

NM_000186.4(CFH):c.1148T>C (p.Val383Ala)

Gene: CFH (complement factor H; plus strand). Cytogenetic location: 1q31.3.
Variant type: single nucleotide variant.
Coding change: c.1148T>C on transcript NM_000186.4 (MANE Select); coding-DNA position 1148, T replaced by C.
Protein change: p.Val383Ala; replaces valine 383 with alanine.
Molecular consequence: missense variant.
Genome position (GRCh38, 1-based): chr1:196,689,603, T>C. VCF-style: chr1-196689603-T-C. GRCh37 (hg19) VCF-style: chr1-196658733-T-C.
Other names: c.1148T>C, p.Val383Ala (NM_001014975.3); short protein forms V383A.
Identifiers: ClinVar variation 1418382 (VCV001418382.7), dbSNP rs762389370, ClinGen allele CA1305246.